The following is an entry in ClinVar:

ClinVar aggregate classification (germline): Uncertain significance. Review status: criteria provided, single submitter (1 of 4 stars). 2 submissions from 2 submitters: Uncertain significance (1). 1 of the submissions does not count toward it. Last evaluated 2023-03-29.

Conditions:
Inborn genetic diseases. Identifiers: MedGen C0950123, MeSH D030342.
ATP8B1-related disorder. Also called: ATP8B1-related disorders; ATP8B1-related condition.

Allele frequency attached by ClinVar (database versions not stated): gnomAD 0.00007; gnomAD exomes 0.00011; ExAC 0.00005; TOPMed 0.00006.
gnomAD v4.1: 164 of 1,613,662 alleles (0.01%); highest among the groups gnomAD compares: Non-Finnish European, 0.013%; no homozygotes.

Submissions (2):

Ambry Genetics
Classification: Uncertain significance for Inborn genetic diseases. Last evaluated: 2023-03-29. Review status: criteria provided, single submitter. Criteria: Ambry Variant Classification Scheme 2023. Collection method: clinical testing. Allele origin: germline.

PreventionGenetics, part of Exact Sciences
Classification: Uncertain significance for ATP8B1-related condition. Last evaluated: 2024-02-15. Review status: no assertion criteria provided. Collection method: clinical testing. Allele origin: germline. Not counted in ClinVar's aggregate classification.
Comment: The ATP8B1 c.1478T>C variant is predicted to result in the amino acid substitution p.Val493Ala. To our knowledge, this variant has not been reported in the literature. This variant is reported in 0.016% of alleles in individuals of European (Non-Finnish) descent in gnomAD. At this time, the clinical significance of this variant is uncertain due to the absence of conclusive functional and genetic evidence.

NM_001374385.1(ATP8B1):c.1478T>C (p.Val493Ala)

Gene: ATP8B1 (ATPase phospholipid transporting 8B1; minus strand). Cytogenetic location: 18q21.31.
Variant type: single nucleotide variant.
Coding change: c.1478T>C on transcript NM_001374385.1 (MANE Select); coding-DNA position 1478, T replaced by C.
Protein change: p.Val493Ala; replaces valine 493 with alanine.
Molecular consequence: missense variant.
Genome position (GRCh38, 1-based): chr18:57,684,188, A>G on the plus strand (T>C on the coding strand, the complement: ATP8B1 is on the minus strand). VCF-style: chr18-57684188-A-G. GRCh37 (hg19) VCF-style: chr18-55351420-A-G.
Other names: c.1328T>C, p.Val443Ala (NM_001374386.1); c.1478T>C, p.Val493Ala (NM_005603.6); short protein forms V443A, V493A.
Identifiers: ClinVar variation 2511068 (VCV002511068.5), dbSNP rs770312089, ClinGen allele CA8974546.
Genomic context (GRCh38, chr18:57,684,188, plus strand): 5'-ATAAGATAGTGGTCATAAAATGCAAGCTTCCCATCAGCATATGTATTCCAGCTAAAATCA[A>G]CTTGCTGAAAGAAATGGAGAAAAACAAAATATGATTTTATAAAATATTTTTGACTTAACA-3'
Protein context (NP_001361314.1, residues 483-503): SQHNHNKIEQ[Val493Ala]DFSWNTYADG